The following is an entry in ClinVar:

ClinVar aggregate classification (germline): Uncertain significance. Review status: criteria provided, multiple submitters, no conflicts (2 of 4 stars). 2 submissions from 2 submitters: Uncertain significance (2). Last evaluated 2025-09-09.

Conditions:
Malignant hyperthermia, susceptibility to, 1 (MHS1). Also called: Anesthesia related hyperthermia; Malignant hyperpyrexia; Fulminating hyperpyrexia; Pharmacogenic myopathy; RYR1-Related Malignant Hyperthermia Susceptibility; Malignant hyperthermia suceptibility 1. Identifiers: Orphanet 423, MedGen C2930980, MONDO:0007783, OMIM 145600.

Allele frequency attached by ClinVar (database versions not stated): gnomAD exomes below 0.00001; TOPMed below 0.00001; ESP Exome Variant Server 0.00008.

Submissions (2):

Color Diagnostics, LLC DBA Color Health
Classification: Uncertain significance for Malignant hyperthermia, susceptibility to, 1. Last evaluated: 2025-09-09. Review status: criteria provided, single submitter. Criteria: ACMG Guidelines, 2015. Collection method: clinical testing. Allele origin: germline.
Comment: This missense variant replaces glutamic acid with glycine at codon 2987 of the RYR1 protein. Computational prediction suggests that this variant may not impact protein structure and function. To our knowledge, functional studies have not been reported for this variant. This variant has not been reported in individuals affected with RYR1-related disorders in the literature. This variant has been identified in 1/251490 chromosomes in the general population by the Genome Aggregation Database (gnomAD). The available evidence is insufficient to determine the role of this variant in disease conclusively. Therefore, this variant is classified as a Variant of Uncertain Significance.

All of Us Research Program, National Institutes of Health
Classification: Uncertain significance for Malignant hyperthermia, susceptibility to, 1. Last evaluated: 2023-07-10. Review status: criteria provided, single submitter. Criteria: ACMG Guidelines, 2015. Collection method: clinical testing. Allele origin: germline. Inheritance: Autosomal dominant inheritance. Observed: 1 variant allele, 1 heterozygote.
Comment: This missense variant replaces glutamic acid with glycine at codon 2987 of the RYR1 protein. Computational prediction suggests that this variant may not impact protein structure and function (internally defined REVEL score threshold <= 0.5, PMID: 27666373). To our knowledge, functional studies have not been reported for this variant. This variant has not been reported in individuals affected with RYR1-related disorders in the literature. This variant has been identified in 1/251490 chromosomes in the general population by the Genome Aggregation Database (gnomAD). The available evidence is insufficient to determine the role of this variant in disease conclusively. Therefore, this variant is classified as a Variant of Uncertain Significance.

This study involves interpretation of variants in research participants for the purpose of population health screening. Participant phenotype was not available at the time of variant classification. Additional details can be found in publication PMID: 35346344, PMCID: PMC8962531

NM_000540.3(RYR1):c.8960A>G (p.Glu2987Gly)

Gene: RYR1 (ryanodine receptor 1; plus strand). Cytogenetic location: 19q13.2.
Variant type: single nucleotide variant.
Coding change: c.8960A>G on transcript NM_000540.3 (MANE Select); coding-DNA position 8960, A replaced by G.
Protein change: p.Glu2987Gly; replaces glutamic acid 2987 with glycine.
Molecular consequence: missense variant.
Genome position (GRCh38, 1-based): chr19:38,510,525, A>G. VCF-style: chr19-38510525-A-G. GRCh37 (hg19) VCF-style: chr19-39001165-A-G.
Other names: c.8960A>G, p.Glu2987Gly (NM_001042723.2); short protein forms E2987G.
Identifiers: ClinVar variation 3072337 (VCV003072337.2), dbSNP rs370979167, ClinGen allele CA308123109.